The following is an entry in ClinVar:

ClinVar aggregate classification (germline): Pathogenic (1 of 4 stars; one submission).

Conditions:
Congenital sideroblastic anemia-B-cell immunodeficiency-periodic fever-developmental delay syndrome. Also called: Sideroblastic anemia with B-cell immunodeficiency, periodic fevers, and developmental delay. Identifiers: Orphanet 369861, MedGen C4015172, MONDO:0014487, OMIM 616084.

Submission:

Labcorp Genetics (formerly Invitae), Labcorp
Classification: Pathogenic for Congenital sideroblastic anemia-B-cell immunodeficiency-periodic fever-developmental delay syndrome. Last evaluated: 2022-06-22. Review status: criteria provided, single submitter. Criteria: Invitae Variant Classification Sherloc (09022015). Collection method: clinical testing. Allele origin: germline.
Comment: This sequence change creates a premature translational stop signal (p.Asp338*) in the TRNT1 gene. While this is not anticipated to result in nonsense mediated decay, it is expected to disrupt the last 97 amino acid(s) of the TRNT1 protein. This variant is not present in population databases (gnomAD no frequency). This variant has not been reported in the literature in individuals affected with TRNT1-related conditions. This variant disrupts a region of the TRNT1 protein in which other variant(s) (p.Ser418Lysfs*9) have been determined to be pathogenic (PMID: 25193871, 26494905, 29358286; Invitae). This suggests that this is a clinically significant region of the protein, and that variants that disrupt it are likely to be disease-causing. For these reasons, this variant has been classified as Pathogenic.

Literature cited by the submitters: PubMed 25193871; PubMed 26494905; PubMed 29358286.

NM_182916.3(TRNT1):c.1012_1013del (p.Thr337_Asp338insTer)

Gene: TRNT1 (tRNA nucleotidyl transferase 1; plus strand). Cytogenetic location: 3p26.2.
Variant type: Deletion.
Coding change: c.1012_1013del on transcript NM_182916.3 (MANE Select); coding-DNA positions 1012 to 1013, 2 bases deleted (GA; older notation c.1012_1013delGA).
Protein change: p.Thr337_Asp338insTer.
Molecular consequence: nonsense. On other transcripts: non-coding transcript variant (8).
Genome position (GRCh38, 1-based): chr3:3,147,659-3,147,660, GA deleted; deleting any 2 consecutive bases within chr3:3,147,658-3,147,660 gives the same sequence; the c. name uses the placement nearest the transcript's 3' end. VCF-style (leftmost placement, unchanged base first): chr3-3147657-CAG-C. GRCh37 (hg19) VCF-style: chr3-3189341-CAG-C.
Other names: c.952_953del, p.Thr317_Asp318insTer (NM_001302946.2); c.1012_1013del, p.Thr337_Asp338insTer (NM_001367321.1, NM_001367322.1, NM_001367323.1).
Identifiers: ClinVar variation 1939998 (VCV001939998.5), dbSNP rs2471351787, ClinGen allele CA2580069158.